The following is an entry in ClinVar:

NM_005591.4(MRE11):c.1526A>C (p.Gln509Pro)

Gene: MRE11 (MRE11 double strand break repair nuclease; minus strand). Cytogenetic location: 11q21.
Variant type: single nucleotide variant.
Coding change: c.1526A>C on transcript NM_005591.4 (MANE Select); coding-DNA position 1526, A replaced by C.
Protein change: p.Gln509Pro; replaces glutamine 509 with proline.
Molecular consequence: missense variant.
Genome position (GRCh38, 1-based): chr11:94,456,313, T>G on the plus strand (A>C on the coding strand, the complement: MRE11 is on the minus strand). VCF-style: chr11-94456313-T-G. GRCh37 (hg19) VCF-style: chr11-94189479-T-G.
Other names: c.1526A>C, p.Gln509Pro (NM_001330347.2, NM_005590.4); short protein forms Q509P.
Identifiers: ClinVar variation 805021 (VCV000805021.7), dbSNP rs1591667851, ClinGen allele CA382370787.

ClinVar aggregate classification (germline): Uncertain significance. Review status: criteria provided, multiple submitters, no conflicts (2 of 4 stars). 2 submissions from 2 submitters: Uncertain significance (2). Last evaluated 2025-07-19.

Conditions:
Hereditary cancer-predisposing syndrome. Also called: Neoplastic Syndromes, Hereditary; Hereditary Cancer Syndrome; Tumor predisposition; Hereditary neoplastic syndrome. Identifiers: Orphanet 140162, MedGen C0027672, MeSH D009386, MONDO:0015356.

Allele frequency attached by ClinVar (database versions not stated): gnomAD exomes below 0.00001.
gnomAD v4.1: 1 of 1,613,726 alleles (0.000062%); highest among the groups gnomAD compares: African/African-American, 0.0013%; no homozygotes.

Submissions (2):

Ambry Genetics
Classification: Uncertain significance for Hereditary cancer-predisposing syndrome. Last evaluated: 2025-07-19. Review status: criteria provided, single submitter. Criteria: Ambry Variant Classification Scheme 2023. Collection method: clinical testing. Allele origin: germline.
Comment: The p.Q509P variant (also known as c.1526A>C), located in coding exon 13 of the MRE11A gene, results from an A to C substitution at nucleotide position 1526. The glutamine at codon 509 is replaced by proline, an amino acid with similar properties. This amino acid position is not well conserved in available vertebrate species. In addition, this alteration is predicted to be tolerated by in silico analysis. Since supporting evidence is limited at this time, the clinical significance of this alteration remains unclear.

Athena Diagnostics
Classification: Uncertain significance. Last evaluated: 2019-04-24. Review status: criteria provided, single submitter. Criteria: Athena Diagnostics Criteria. Collection method: clinical testing. Allele origin: germline.